The following is an entry in ClinVar:

NM_005585.5(SMAD6):c.815C>G (p.Pro272Arg)

Gene: SMAD6 (SMAD family member 6; plus strand). Cytogenetic location: 15q22.31.
Variant type: single nucleotide variant.
Coding change: c.815C>G on transcript NM_005585.5 (MANE Select); coding-DNA position 815, C replaced by G.
Protein change: p.Pro272Arg; replaces proline 272 with arginine.
Molecular consequence: missense variant. On other transcripts: non-coding transcript variant (1).
Genome position (GRCh38, 1-based): chr15:66,704,073, C>G. VCF-style: chr15-66704073-C-G. GRCh37 (hg19) VCF-style: chr15-66996411-C-G.
Other names: short protein forms P272R.
Identifiers: ClinVar variation 4281959 (VCV004281959.1).

ClinVar aggregate classification (germline): Uncertain significance (1 of 4 stars; one submission).

gnomAD v4.1: 1 of 1,480,714 alleles (0.000068%); highest among the groups gnomAD compares: Non-Finnish European, 0.000089%; no homozygotes.

Submission:

GeneDx
Classification: Uncertain significance. Last evaluated: 2025-04-08. Review status: criteria provided, single submitter. Criteria: GeneDx Variant Classification Process June 2021. Collection method: clinical testing. Allele origin: germline. Affected: yes.
Comment: Not observed at significant frequency in large population cohorts (gnomAD); In silico analysis supports that this missense variant has a deleterious effect on protein structure/function; Has not been previously published as pathogenic or benign to our knowledge